The following is an entry in ClinVar:

NM_000350.3(ABCA4):c.6179T>C (p.Leu2060Pro)

Gene: ABCA4 (ATP binding cassette subfamily A member 4; minus strand). Cytogenetic location: 1p22.1.
Variant type: single nucleotide variant.
Coding change: c.6179T>C on transcript NM_000350.3 (MANE Select); coding-DNA position 6179, T replaced by C.
Protein change: p.Leu2060Pro; replaces leucine 2060 with proline.
Molecular consequence: missense variant.
Genome position (GRCh38, 1-based): chr1:94,001,961, A>G on the plus strand (T>C on the coding strand, the complement: ABCA4 is on the minus strand). VCF-style: chr1-94001961-A-G. GRCh37 (hg19) VCF-style: chr1-94467517-A-G.
Other names: c.5957T>C, p.Leu1986Pro (NM_001425324.1); short protein forms L2060P, L1986P.
Identifiers: ClinVar variation 2105771 (VCV002105771.4), dbSNP rs61753039, ClinGen allele CA341278331.

ClinVar aggregate classification (germline): Likely pathogenic (1 of 4 stars; one submission).

Submission:

Labcorp Genetics (formerly Invitae), Labcorp
Classification: Likely pathogenic. Last evaluated: 2022-03-04. Review status: criteria provided, single submitter. Criteria: Invitae Variant Classification Sherloc (09022015). Collection method: clinical testing. Allele origin: germline.
Comment: This variant is not present in population databases (gnomAD no frequency). This sequence change replaces leucine, which is neutral and non-polar, with proline, which is neutral and non-polar, at codon 2060 of the ABCA4 protein (p.Leu2060Pro). This variant has not been reported in the literature in individuals affected with ABCA4-related conditions. Advanced modeling of protein sequence and biophysical properties (such as structural, functional, and spatial information, amino acid conservation, physicochemical variation, residue mobility, and thermodynamic stability) performed at Invitae indicates that this missense variant is expected to disrupt ABCA4 protein function. This variant disrupts the p.Leu2060 amino acid residue in ABCA4. Other variant(s) that disrupt this residue have been determined to be pathogenic (PMID: 11385708, 23755871, 27596865). This suggests that this residue is clinically significant, and that variants that disrupt this residue are likely to be disease-causing. In summary, the currently available evidence indicates that the variant is pathogenic, but additional data are needed to prove that conclusively. Therefore, this variant has been classified as Likely Pathogenic.

Literature cited by the submitters: PubMed 11385708; PubMed 23755871; PubMed 27596865.